The following is an entry in ClinVar:

NM_001367624.2(ZNF469):c.6352A>C (p.Thr2118Pro)

Gene: ZNF469 (zinc finger protein 469; plus strand). Cytogenetic location: 16q24.2.
Variant type: single nucleotide variant.
Coding change: c.6352A>C on transcript NM_001367624.2 (MANE Select); coding-DNA position 6352, A replaced by C.
Protein change: p.Thr2118Pro; replaces threonine 2118 with proline.
Molecular consequence: missense variant.
Genome position (GRCh38, 1-based): chr16:88,433,822, A>C. VCF-style: chr16-88433822-A-C. GRCh37 (hg19) VCF-style: chr16-88500230-A-C.
Other names: short protein forms T2118P.
Identifiers: ClinVar variation 3902245 (VCV003902245.2).

ClinVar aggregate classification (germline): Uncertain significance (1 of 4 stars; one submission).

Submission:

Women's Health and Genetics/Laboratory Corporation of America, LabCorp
Classification: Uncertain significance. Last evaluated: 2026-04-13. Review status: criteria provided, single submitter. Criteria: LabCorp Variant Classification Summary - May 2015. Collection method: clinical testing. Allele origin: germline.
Comment: Variant summary: ZNF469 c.6352A>C (p.Thr2118Pro) results in a non-conservative amino acid change in the encoded protein sequence. Algorithms developed to predict the effect of missense changes on protein structure and function are either unavailable or do not agree on the potential impact of this missense change. The variant was absent in 147610 control chromosomes. The available data on variant occurrences in the general population are insufficient to allow any conclusion about variant significance. To our knowledge, no occurrence of c.6352A>C in individuals affected with ZNF469-related conditions and no experimental evidence demonstrating its impact on protein function have been reported. ClinVar contains an entry for this variant (Variation ID: 3902245). Based on the evidence outlined above, the variant was classified as uncertain significance.